The following is an entry in ClinVar:

NM_015909.4(NBAS):c.6623G>T (p.Cys2208Phe)

Gene: NBAS (NBAS subunit of NRZ tethering complex; minus strand). Cytogenetic location: 2p24.3.
Variant type: single nucleotide variant.
Coding change: c.6623G>T on transcript NM_015909.4 (MANE Select); coding-DNA position 6623, G replaced by T.
Protein change: p.Cys2208Phe; replaces cysteine 2208 with phenylalanine.
Molecular consequence: missense variant. On other transcripts: non-coding transcript variant (1).
Genome position (GRCh38, 1-based): chr2:15,186,830, C>A on the plus strand (G>T on the coding strand, the complement: NBAS is on the minus strand). VCF-style: chr2-15186830-C-A. GRCh37 (hg19) VCF-style: chr2-15326954-C-A.
Other names: short protein forms C2208F.
Identifiers: ClinVar variation 3672212 (VCV003672212.2).

ClinVar aggregate classification (germline): Uncertain significance (1 of 4 stars; one submission).

Submission:

Labcorp Genetics (formerly Invitae), Labcorp
Classification: Uncertain significance. Last evaluated: 2024-10-23. Review status: criteria provided, single submitter. Criteria: Invitae Variant Classification Sherloc (09022015). Collection method: clinical testing. Allele origin: germline.
Comment: This sequence change replaces cysteine, which is neutral and slightly polar, with phenylalanine, which is neutral and non-polar, at codon 2208 of the NBAS protein (p.Cys2208Phe). This variant is not present in population databases (gnomAD no frequency). This variant has not been reported in the literature in individuals affected with NBAS-related conditions. Invitae Evidence Modeling of protein sequence and biophysical properties (such as structural, functional, and spatial information, amino acid conservation, physicochemical variation, residue mobility, and thermodynamic stability) indicates that this missense variant is not expected to disrupt NBAS protein function with a negative predictive value of 95%. In summary, the available evidence is currently insufficient to determine the role of this variant in disease. Therefore, it has been classified as a Variant of Uncertain Significance.